The following is an entry in ClinVar:

NM_000465.4(BARD1):c.1045A>C (p.Lys349Gln)

Gene: BARD1 (BRCA1 associated RING domain 1; minus strand). Cytogenetic location: 2q35.
Variant type: single nucleotide variant.
Coding change: c.1045A>C on transcript NM_000465.4 (MANE Select); coding-DNA position 1045, A replaced by C.
Protein change: p.Lys349Gln; replaces lysine 349 with glutamine.
Molecular consequence: missense variant. On other transcripts: non-coding transcript variant (2), intron variant (3).
Genome position (GRCh38, 1-based): chr2:214,780,829, T>G on the plus strand (A>C on the coding strand, the complement: BARD1 is on the minus strand). VCF-style: chr2-214780829-T-G. GRCh37 (hg19) VCF-style: chr2-215645553-T-G.
Other names: c.988A>C, p.Lys330Gln (NM_001282543.2); c.159-28274A>C (NM_001282548.2); c.215+16232A>C (NM_001282545.2); c.364+11468A>C (NM_001282549.2); short protein forms K349Q, K330Q.
Identifiers: ClinVar variation 438892 (VCV000438892.27), dbSNP rs1401955290, ClinGen allele CA350454181.
Genomic context (GRCh38, chr2:214,780,829, plus strand): 5'-TGCATGAAGGTGGTGAAGAACATTCAGGCAATGGTATATTTTCTGAGGGCACCGTTTGCT[T>G]AACAAAATCTCCACTGGTGCTCAGAATGCTGGTTCTACATCTCTTAGAAATGGGACTGGA-3'
Protein context (NP_000456.2, residues 339-359): SILSTSGDFV[Lys349Gln]QTVPSENIPL

ClinVar aggregate classification (germline): Uncertain significance. Review status: criteria provided, multiple submitters, no conflicts (2 of 4 stars). 7 submissions from 7 submitters: Uncertain significance (7). Last evaluated 2025-10-28.

Conditions:
Familial cancer of breast. Also called: hereditary breast carcinoma; Hereditary breast cancer; BREAST CANCER, FAMILIAL. Identifiers: Orphanet 227535, MedGen C0346153, MONDO:0016419, OMIM 114480. Disease mechanism: loss of function.
Hereditary cancer-predisposing syndrome. Also called: Hereditary neoplastic syndrome; Hereditary Cancer Syndrome; Tumor predisposition; Neoplastic Syndromes, Hereditary. Identifiers: Orphanet 140162, MedGen C0027672, MeSH D009386, MONDO:0015356.

Allele frequency attached by ClinVar (database versions not stated): gnomAD exomes below 0.00001; TOPMed 0.00001.
gnomAD v4.1: 6 of 1,614,122 alleles (0.00037%); highest among the groups gnomAD compares: Admixed American, 0.005%; no homozygotes.

Submissions (7):

Ambry Genetics
Classification: Uncertain significance for Hereditary cancer-predisposing syndrome. Last evaluated: 2025-10-28. Review status: criteria provided, single submitter. Criteria: Ambry Variant Classification Scheme 2023. Collection method: clinical testing. Allele origin: germline.
Comment: The p.K349Q variant (also known as c.1045A>C), located in coding exon 4 of the BARD1 gene, results from an A to C substitution at nucleotide position 1045. The lysine at codon 349 is replaced by glutamine, an amino acid with similar properties. This amino acid position is poorly conserved in available vertebrate species. In addition, this alteration is predicted to be tolerated by in silico analysis. Since supporting evidence is limited at this time, the clinical significance of this alteration remains unclear.

Labcorp Genetics (formerly Invitae), Labcorp
Classification: Uncertain significance for Familial cancer of breast. Last evaluated: 2025-06-04. Review status: criteria provided, single submitter. Criteria: Invitae Variant Classification Sherloc (09022015). Collection method: clinical testing. Allele origin: germline.
Comment: This sequence change replaces lysine, which is basic and polar, with glutamine, which is neutral and polar, at codon 349 of the BARD1 protein (p.Lys349Gln). This variant is present in population databases (no rsID available, gnomAD 0.003%). This missense change has been observed in individual(s) with breast cancer (PMID: 35534704). ClinVar contains an entry for this variant (Variation ID: 438892). An algorithm developed to predict the effect of missense changes on protein structure and function (PolyPhen-2) suggests that this variant is likely to be tolerated. In summary, the available evidence is currently insufficient to determine the role of this variant in disease. Therefore, it has been classified as a Variant of Uncertain Significance.

Quest Diagnostics Nichols Institute San Juan Capistrano
Classification: Uncertain significance. Last evaluated: 2024-10-04. Review status: criteria provided, single submitter. Criteria: Quest Diagnostics criteria. Collection method: clinical testing. Allele origin: unknown.
Comment: The BARD1 c.1045A>C (p.Lys349Gln) variant has been reported in the published literature in an individual with breast cancer (PMID: 35534704 (2022)). The frequency of this variant in the general population, 0.000004 (1/251236 chromosomes (Genome Aggregation Database)), is uninformative in the assessment of its pathogenicity. Analysis of this variant using bioinformatics tools for the prediction of the effect of amino acid changes on protein structure and function yielded predictions that this variant is benign. Based on the available information, we are unable to determine the clinical significance of this variant.

Color Diagnostics, LLC DBA Color Health
Classification: Uncertain significance for Hereditary cancer-predisposing syndrome. Last evaluated: 2023-12-05. Review status: criteria provided, single submitter. Criteria: ACMG Guidelines, 2015. Collection method: clinical testing. Allele origin: germline.
Comment: This missense variant replaces lysine with glutamine at codon 349 of the BARD1 protein. Computational prediction suggests that this variant may not impact protein structure and function (internally defined REVEL score threshold <= 0.5, PMID: 27666373). To our knowledge, functional studies have not been reported for this variant. This variant has not been reported in individuals affected with BARD1-related disorders in the literature. This variant has been identified in 1/251236 chromosomes in the general population by the Genome Aggregation Database (gnomAD). The available evidence is insufficient to determine the role of this variant in disease conclusively. Therefore, this variant is classified as a Variant of Uncertain Significance.

Women's Health and Genetics/Laboratory Corporation of America, LabCorp
Classification: Uncertain significance. Last evaluated: 2023-06-24. Review status: criteria provided, single submitter. Criteria: LabCorp Variant Classification Summary - May 2015. Collection method: clinical testing. Allele origin: germline.

Sema4
Classification: Uncertain significance for Hereditary cancer-predisposing syndrome. Last evaluated: 2022-02-22. Review status: criteria provided, single submitter. Criteria: Sema4 Curation Guidelines. Collection method: curation. Allele origin: germline.
Comment: To the best of our knowledge, the BARD1 c.1045A>C (p.K349Q) variant has not been reported in individuals with BARD1-related disease. It was observed in 1/34552 chromosomes of the Latino subpopulation in the large and broad cohorts of the Genome Aggregation Database (PMID: 32461654). The variant has been reported in ClinVar (Variation ID 438892). In silico tools suggest the impact of the variant on protein function is benign, though these predictions have not been confirmed by functional studies. The evidence is insufficient to meet ACMG/AMP criteria for classifying the variant as benign or pathogenic. Thus, the clinical significance of this variant is currently uncertain.

Mendelics
Classification: Uncertain significance for Familial cancer of breast. Last evaluated: 2018-07-02. Review status: criteria provided, single submitter. Criteria: Mendelics Assertion Criteria 2017. Collection method: clinical testing. Allele origin: unknown.

Literature cited by the submitters: PubMed 35534704 (cited by Labcorp Genetics (formerly Invitae), Labcorp and Quest Diagnostics Nichols Institute San Juan Capistrano).